The following is an entry in ClinVar:

NM_021005.4(NR2F2):c.839T>A (p.Met280Lys)

Gene: NR2F2 (nuclear receptor subfamily 2 group F member 2; plus strand). Cytogenetic location: 15q26.2.
Variant type: single nucleotide variant.
Coding change: c.839T>A on transcript NM_021005.4 (MANE Select); coding-DNA position 839, T replaced by A.
Protein change: p.Met280Lys; replaces methionine 280 with lysine.
Molecular consequence: missense variant.
Genome position (GRCh38, 1-based): chr15:96,334,472, T>A. VCF-style: chr15-96334472-T-A. GRCh37 (hg19) VCF-style: chr15-96877701-T-A.
Other names: c.440T>A, p.Met147Lys (NM_001145155.2); c.380T>A, p.Met127Lys (NM_001145156.1, NM_001145157.2); short protein forms M127K, M147K, M280K.
Identifiers: ClinVar variation 2430791 (VCV002430791.1), dbSNP rs2505775033, ClinGen allele CA393931284.

ClinVar aggregate classification (germline): Uncertain significance (1 of 4 stars; one submission).

Submission:

GeneDx
Classification: Uncertain significance. Last evaluated: 2022-08-16. Review status: criteria provided, single submitter. Criteria: GeneDx Variant Classification Process June 2021. Collection method: clinical testing. Allele origin: germline. Affected: yes.
Comment: Not observed at significant frequency in large population cohorts (gnomAD); In silico analysis supports that this missense variant has a deleterious effect on protein structure/function; Has not been previously published as pathogenic or benign to our knowledge